The following is an entry in ClinVar:

ClinVar aggregate classification (germline): Conflicting classifications of pathogenicity. Review status: criteria provided, conflicting classifications (1 of 4 stars). 5 submissions from 5 submitters: Uncertain significance (4); Likely benign (1). Last evaluated 2026-01-29.

Conditions:
Exudative vitreoretinopathy 6 (EVR6). Identifiers: Orphanet 891, MedGen C4225316, MONDO:0014652, OMIM 616468.
Retinitis pigmentosa 72 (RP72). Identifiers: Orphanet 791, MedGen C4225315, MONDO:0014653, OMIM 616469.
Inborn genetic diseases. Identifiers: MedGen C0950123, MeSH D030342.

Allele frequency attached by ClinVar (database versions not stated): 1000 Genomes Project 30x 0.00016; 1000 Genomes Project 0.00020; TOPMed 0.00020; ESP Exome Variant Server 0.00023.
gnomAD v4.1: 625 of 1,608,796 alleles (0.039%); highest among the groups gnomAD compares: Non-Finnish European, 0.051%; 2 homozygotes.

Submissions (5):

Labcorp Genetics (formerly Invitae), Labcorp
Classification: Uncertain significance. Last evaluated: 2026-01-29. Review status: criteria provided, single submitter. Criteria: Invitae Variant Classification Sherloc (09022015). Collection method: clinical testing. Allele origin: germline.
Comment: This sequence change replaces arginine, which is basic and polar, with proline, which is neutral and non-polar, at codon 630 of the ZNF408 protein (p.Arg630Pro). This variant is present in population databases (rs138519217, gnomAD 0.06%). This variant has not been reported in the literature in individuals affected with ZNF408-related conditions. ClinVar contains an entry for this variant (Variation ID: 853014). An algorithm developed to predict the effect of missense changes on protein structure and function (PolyPhen-2) suggests that this variant is likely to be tolerated. In summary, the available evidence is currently insufficient to determine the role of this variant in disease. Therefore, it has been classified as a Variant of Uncertain Significance.

Blueprint Genetics
Classification: Likely benign. Last evaluated: 2024-10-17. Review status: criteria provided, single submitter. Criteria: ACMG Guidelines, 2015. Collection method: clinical testing. Allele origin: germline.

Ambry Genetics
Classification: Uncertain significance for Inborn genetic diseases. Last evaluated: 2022-11-09. Review status: criteria provided, single submitter. Criteria: Ambry Variant Classification Scheme 2023. Collection method: clinical testing. Allele origin: germline.

Department of Pathology and Laboratory Medicine, Sinai Health System
Classification: Uncertain significance for Exudative vitreoretinopathy 6; Retinitis pigmentosa 72. Last evaluated: 2022-03-21. Review status: criteria provided, single submitter. Criteria: ACMG Guidelines, 2015. Collection method: research. Allele origin: germline.

Breakthrough Genomics
Classification: Uncertain significance. Review status: criteria provided, single submitter. Criteria: ACMG Guidelines, 2015. Collection method: not provided. Allele origin: germline. Inheritance: Autosomal recessive inheritance. Affected: yes.

NM_024741.3(ZNF408):c.1889G>C (p.Arg630Pro)

Gene: ZNF408 (zinc finger protein 408; plus strand). Cytogenetic location: 11p11.2.
Variant type: single nucleotide variant.
Coding change: c.1889G>C on transcript NM_024741.3 (MANE Select); coding-DNA position 1889, G replaced by C.
Protein change: p.Arg630Pro; replaces arginine 630 with proline.
Molecular consequence: missense variant.
Genome position (GRCh38, 1-based): chr11:46,705,589, G>C. VCF-style: chr11-46705589-G-C. GRCh37 (hg19) VCF-style: chr11-46727139-G-C.
Other names: c.1865G>C, p.Arg622Pro (NM_001184751.2); short protein forms R630P, R622P.
Identifiers: ClinVar variation 853014 (VCV000853014.12), dbSNP rs138519217, ClinGen allele CA5966663.
Genomic context (GRCh38, chr11:46,705,589, plus strand): 5'-CCACCTGTGGCATGGGCTACACCCTCCCGCAGAGCCTCAGGCGGCATCAGCTCAGTCACC[G>C]GCCTGAGGCACCCTGCAGCCCACCCTCTGTGCCTTCTGCTGCTTCTGAGCCCACTGTGGT-3'
Protein context (NP_079017.1, residues 620-640): QSLRRHQLSH[Arg630Pro]PEAPCSPPSV